The following is an entry in ClinVar:

ClinVar aggregate classification (germline): Likely pathogenic (1 of 4 stars; one submission).

Submission:

GeneDx
Classification: Likely pathogenic. Last evaluated: 2022-03-08. Review status: criteria provided, single submitter. Criteria: GeneDx Variant Classification Process June 2021. Collection method: clinical testing. Allele origin: germline. Affected: yes.
Comment: Not observed in large population cohorts (gnomAD); In silico analysis supports that this missense variant has a deleterious effect on protein structure/function; Has not been previously published as pathogenic or benign to our knowledge

NM_004958.4(MTOR):c.7076G>A (p.Gly2359Glu)

Gene: MTOR (mechanistic target of rapamycin kinase; minus strand). Cytogenetic location: 1p36.22.
Variant type: single nucleotide variant.
Coding change: c.7076G>A on transcript NM_004958.4 (MANE Select); coding-DNA position 7076, G replaced by A.
Protein change: p.Gly2359Glu; replaces glycine 2359 with glutamic acid.
Molecular consequence: missense variant.
Genome position (GRCh38, 1-based): chr1:11,115,409, C>T on the plus strand (G>A on the coding strand, the complement: MTOR is on the minus strand). VCF-style: chr1-11115409-C-T. GRCh37 (hg19) VCF-style: chr1-11175466-C-T.
Other names: c.7076G>A, p.Gly2359Glu (NM_001386500.1); c.5828G>A, p.Gly1943Glu (NM_001386501.1); short protein forms G1943E, G2359E.
Identifiers: ClinVar variation 1315046 (VCV001315046.3), dbSNP rs2100323377, ClinGen allele CA338382150.